The following is an entry in ClinVar:

NM_001370959.1(POU6F2):c.844C>T (p.Pro282Ser)

Gene: POU6F2 (POU class 6 homeobox 2; plus strand). Cytogenetic location: 7p14.1.
Variant type: single nucleotide variant.
Coding change: c.844C>T on transcript NM_001370959.1 (MANE Select); coding-DNA position 844, C replaced by T.
Protein change: p.Pro282Ser; replaces proline 282 with serine.
Molecular consequence: missense variant.
Genome position (GRCh38, 1-based): chr7:39,339,887, C>T. VCF-style: chr7-39339887-C-T. GRCh37 (hg19) VCF-style: chr7-39379486-C-T.
Other names: c.757C>T, p.Pro253Ser (NM_001166018.2, NM_007252.4); short protein forms P253S, P282S.
Identifiers: ClinVar variation 3032705 (VCV003032705.2), dbSNP rs373709968, ClinGen allele CA4227635.
Genomic context (GRCh38, chr7:39,339,887, plus strand): 5'-CAGCAGCCGCCAGCTCCTACATCTCAGCTGCAACAGGCGCCTCAGCCCCAGCAGCACCAA[C>T]CCCACTCCCACTCCCAGAACCAGAACCAACCATCTCCAACCCAGCAGAGCTCCAGCCCCC-3'
Protein context (NP_001357888.1, residues 272-292): QQAPQPQQHQ[Pro282Ser]HSHSQNQNQP

ClinVar aggregate classification (germline): Uncertain significance (0 of 4 stars; one submission).

Conditions:
POU6F2-related disorder. Also called: POU6F2-related condition.

Allele frequency attached by ClinVar (database versions not stated): ExAC 0.00003; gnomAD 0.00005; ESP Exome Variant Server 0.00008; TOPMed 0.00009.

Submission:

PreventionGenetics, part of Exact Sciences
Classification: Uncertain significance for POU6F2-related condition. Last evaluated: 2023-12-20. Review status: no assertion criteria provided. Collection method: clinical testing. Allele origin: germline.
Comment: The POU6F2 c.757C>T variant is predicted to result in the amino acid substitution p.Pro253Ser. To our knowledge, this variant has not been reported in the literature. This variant is reported in 0.0082% of alleles in individuals of European (Non-Finnish) descent in gnomAD. At this time, the clinical significance of this variant is uncertain due to the absence of conclusive functional and genetic evidence.